The following is an entry in ClinVar:

ClinVar aggregate classification (germline): Uncertain significance. Review status: criteria provided, single submitter (1 of 4 stars). 2 submissions from 2 submitters: Uncertain significance (1). 1 of the submissions does not count toward it. Last evaluated 2024-02-01.

Conditions:
RPS6KA3-related disorder. Also called: RPS6KA3-related condition.

Allele frequency attached by ClinVar (database versions not stated): TOPMed below 0.00001.
gnomAD v4.1: 3 of 1,181,247 alleles (0.00025%); highest among the groups gnomAD compares: Non-Finnish European, 0.00035%; no homozygotes.

Submissions (2):

CeGaT Center for Human Genetics Tuebingen
Classification: Uncertain significance. Last evaluated: 2024-02-01. Review status: criteria provided, single submitter. Criteria: CeGaT Center For Human Genetics Tuebingen Variant Classification Criteria Version 2. Collection method: clinical testing. Allele origin: germline. Affected: yes. Observed: 1 variant allele.
Comment: RPS6KA3: PM2, PP2

PreventionGenetics, part of Exact Sciences
Classification: Uncertain significance for RPS6KA3-related condition. Last evaluated: 2024-08-13. Review status: no assertion criteria provided. Collection method: clinical testing. Allele origin: germline. Not counted in ClinVar's aggregate classification.
Comment: The RPS6KA3 c.151G>A variant is predicted to result in the amino acid substitution p.Ala51Thr. To our knowledge, this variant has not been reported in the literature. This variant is reported in 0.0024% of alleles in individuals of European (Non-Finnish) descent in gnomAD. At this time, the clinical significance of this variant is uncertain due to the absence of conclusive functional and genetic evidence.

NM_004586.3(RPS6KA3):c.151G>A (p.Ala51Thr)

Gene: RPS6KA3 (ribosomal protein S6 kinase A3; minus strand). Cytogenetic location: Xp22.12.
Variant type: single nucleotide variant.
Coding change: c.151G>A on transcript NM_004586.3 (MANE Select); coding-DNA position 151, G replaced by A.
Protein change: p.Ala51Thr; replaces alanine 51 with threonine.
Molecular consequence: missense variant.
Genome position (GRCh38, 1-based): chrX:20,209,380, C>T on the plus strand (G>A on the coding strand, the complement: RPS6KA3 is on the minus strand). VCF-style: chrX-20209380-C-T. GRCh37 (hg19) VCF-style: chrX-20227498-C-T.
Other names: c.151G>A (NM_004586.2); short protein forms A51T.
Identifiers: ClinVar variation 3025226 (VCV003025226.22), dbSNP rs777093366, ClinGen allele CA10366319.
Genomic context (GRCh38, chrX:20,209,380, plus strand): 5'-AAAGTTCAAACTGGGAAGGATCTGCCTTTTCATGTCCTTCCTTTACATGATGTGTGATTG[C>T]AATTTCTTTGATACTGACTTCTTCCTGTTGAGATAAACGTAAGAGGAGCAAACAGGGTTA-3'
Protein context (NP_004577.1, residues 41-61): QTEEVSIKEI[Ala51Thr]ITHHVKEGHE